The following is an entry in ClinVar:

ClinVar aggregate classification (germline): Uncertain significance (1 of 4 stars; one submission).

Allele frequency attached by ClinVar (database versions not stated): gnomAD exomes below 0.00001 and 0.00001.

Submission:

Labcorp Genetics (formerly Invitae), Labcorp
Classification: Uncertain significance. Last evaluated: 2021-07-31. Review status: criteria provided, single submitter. Criteria: Invitae Variant Classification Sherloc (09022015). Collection method: clinical testing. Allele origin: germline.
Comment: This sequence change replaces arginine with cysteine at codon 1681 of the SZT2 protein (p.Arg1681Cys). The arginine residue is highly conserved and there is a large physicochemical difference between arginine and cysteine. This variant is not present in population databases (ExAC no frequency). This variant has not been reported in the literature in individuals with SZT2-related conditions. Algorithms developed to predict the effect of missense changes on protein structure and function (SIFT, PolyPhen-2, Align-GVGD) all suggest that this variant is likely to be disruptive, but these predictions have not been confirmed by published functional studies and their clinical significance is uncertain. In summary, the available evidence is currently insufficient to determine the role of this variant in disease. Therefore, it has been classified as a Variant of Uncertain Significance.

NM_001365999.1(SZT2):c.5212C>T (p.Arg1738Cys)

Gene: SZT2 (SZT2 subunit of KICSTOR complex; plus strand). Cytogenetic location: 1p34.2.
Variant type: single nucleotide variant.
Coding change: c.5212C>T on transcript NM_001365999.1 (MANE Select); coding-DNA position 5212, C replaced by T.
Protein change: p.Arg1738Cys; replaces arginine 1738 with cysteine.
Molecular consequence: missense variant.
Genome position (GRCh38, 1-based): chr1:43,431,839, C>T. VCF-style: chr1-43431839-C-T. GRCh37 (hg19) VCF-style: chr1-43897510-C-T.
Other names: c.5041C>T, p.Arg1681Cys (NM_015284.4); short protein forms R1681C, R1738C.
Identifiers: ClinVar variation 1062916 (VCV001062916.8), dbSNP rs1443080592, ClinGen allele CA340023629.
Genomic context (GRCh38, chr1:43,431,839, plus strand): 5'-CCTGCCCTGCACCGCGCAGCTGCCCATATCCATAGTTCTCCTGGACGCTCCACCTGCCTT[C>T]GCCAAACTCTGCCACTGAGTTTTGTATTTGGGCCAGAGCGTTCCCTCACACAATTCAAGG-3'
Protein context (NP_001352928.1, residues 1728-1748): HSSPGRSTCL[Arg1738Cys]QTLPLSFVFG